The following is an entry in ClinVar:

ClinVar aggregate classification (germline): Uncertain significance (1 of 4 stars; one submission).

Submission:

GeneDx
Classification: Uncertain significance. Last evaluated: 2026-05-12. Review status: criteria provided, single submitter. Criteria: GeneDx Variant Classification Process June 2021. Collection method: clinical testing. Allele origin: germline.
Comment: Not observed at significant frequency in large population cohorts (gnomAD); In silico analysis supports that this missense variant has a deleterious effect on protein structure/function; Has not been previously published as pathogenic or benign to our knowledge

NM_020338.4(ZMIZ1):c.1637C>G (p.Pro546Arg)

Gene: ZMIZ1 (zinc finger MIZ-type containing 1; plus strand). Cytogenetic location: 10q22.3.
Variant type: single nucleotide variant.
Coding change: c.1637C>G on transcript NM_020338.4 (MANE Select); coding-DNA position 1637, C replaced by G.
Protein change: p.Pro546Arg; replaces proline 546 with arginine.
Molecular consequence: missense variant.
Genome position (GRCh38, 1-based): chr10:79,298,551, C>G. VCF-style: chr10-79298551-C-G. GRCh37 (hg19) VCF-style: chr10-81058308-C-G.
Other names: short protein forms P546R.
Identifiers: ClinVar variation 4086408 (VCV004086408.2).